The following is an entry in ClinVar:

ClinVar aggregate classification (germline): Pathogenic/Likely pathogenic. Review status: criteria provided, multiple submitters, no conflicts (2 of 4 stars). 2 submissions from 2 submitters: Pathogenic (1); Likely pathogenic (1). Last evaluated 2026-03-11.

Conditions:
Hereditary spastic paraplegia 15 (SPG15). Also called: SPASTIC PARAPLEGIA AND RETINAL DEGENERATION; SPASTIC PARAPLEGIA 15, AUTOSOMAL RECESSIVE; KJELLIN SYNDROME. Identifiers: Orphanet 100996, MedGen C1849128, MONDO:0010044, OMIM 270700.

Submissions (2):

Myriad Genetics, Inc.
Classification: Pathogenic for Hereditary spastic paraplegia 15. Last evaluated: 2026-03-11. Review status: criteria provided, single submitter. Criteria: Myriad Autosomal Dominant, Autosomal Recessive and X-Linked Classification Criteria (2023). Collection method: clinical testing. Allele origin: unknown.
Comment: NM_015346.3(ZFYVE26):c.2804_2805dupCC(S936Pfs*15) is expected to be pathogenic in the context of spastic paraplegia type 15. This variant is predicted to lead to an abnormal or absent protein product due to the creation of a premature termination codon in ZFYVE26, a gene where loss-of-function variants are known to be pathogenic. Please note: this variant was assessed in the context of healthy population screening.

Fulgent Genetics
Classification: Likely pathogenic for Hereditary spastic paraplegia 15. Last evaluated: 2024-01-29. Review status: criteria provided, single submitter. Criteria: ACMG Guidelines, 2015. Collection method: clinical testing. Allele origin: germline.

NM_015346.4(ZFYVE26):c.2804_2805dup (p.Ser936fs)

Gene: ZFYVE26 (zinc finger FYVE-type containing 26; minus strand). Cytogenetic location: 14q24.1.
Variant type: Duplication.
Coding change: c.2804_2805dup on transcript NM_015346.4 (MANE Select); coding-DNA positions 2804 to 2805, 2 bases duplicated (CC; older notation c.2804_2805dupCC).
Protein change: p.Ser936fs; shifts the reading frame from serine 936.
Molecular consequence: frameshift variant.
Genome position (GRCh38, 1-based): chr14:67,789,549-67,789,550, GG duplicated on the plus strand (CC on the coding strand, the reverse complement: ZFYVE26 is on the minus strand). VCF-style (leftmost placement, unchanged base first): chr14-67789548-A-AGG. GRCh37 (hg19) VCF-style: chr14-68256265-A-AGG.
Other names: short protein forms S936fs.
Identifiers: ClinVar variation 3576675 (VCV003576675.2).
Genomic context (GRCh38, chr14:67,789,548, plus strand): 5'-GCTCCACTAGAGCCGTGCTTATCCAAAAGTCCTCCTGGAGCATGGGGATGGGGTCTCCAG[A>AGG]GGTGTTGAGCAGCTTGTCAGTCACGTCAGAGATAGAGTAAAACACCATTCCTGGCCGCCC-3'